The following is an entry in ClinVar:

NM_004562.3(PRKN):c.562A>G (p.Ile188Val)

Gene: PRKN (parkin RBR E3 ubiquitin protein ligase; minus strand). Cytogenetic location: 6q26.
Variant type: single nucleotide variant.
Coding change: c.562A>G on transcript NM_004562.3 (MANE Select); coding-DNA position 562, A replaced by G.
Protein change: p.Ile188Val; replaces isoleucine 188 with valine.
Molecular consequence: missense variant. On other transcripts: intron variant (2).
Genome position (GRCh38, 1-based): chr6:162,054,147, T>C on the plus strand (A>G on the coding strand, the complement: PRKN is on the minus strand). VCF-style: chr6-162054147-T-C. GRCh37 (hg19) VCF-style: chr6-162475179-T-C.
Other names: c.172-80730A>G (NM_013988.3); c.535-80730A>G (NM_013987.3); short protein forms I188V.
Identifiers: ClinVar variation 2078840 (VCV002078840.4), dbSNP rs199810018, ClinGen allele CA150936395.
Genomic context (GRCh38, chr6:162,054,147, plus strand): 5'-TTACTGCACTAGTCCCAGGGCAGTGTGGGGATTGGCATTCACCACTCATCCGGTTTGGAA[T>C]TAAAACATCATCCCAGCAAGATGGACCCTTTGGGAAAAAACAACAATATATGCTTATATG-3'
Protein context (NP_004553.2, residues 178-198): QGPSCWDDVL[Ile188Val]PNRMSGECQS

ClinVar aggregate classification (germline): Uncertain significance (1 of 4 stars; one submission).

Allele frequency attached by ClinVar (database versions not stated): 1000 Genomes Project 0.00020; TOPMed below 0.00001; gnomAD 0.00001; 1000 Genomes Project 30x 0.00016.
gnomAD v4.1: 1 of 1,613,554 alleles (0.000062%); highest among the groups gnomAD compares: Admixed American, 0.0017%; no homozygotes.

Submission:

Labcorp Genetics (formerly Invitae), Labcorp
Classification: Uncertain significance. Last evaluated: 2022-08-07. Review status: criteria provided, single submitter. Criteria: Invitae Variant Classification Sherloc (09022015). Collection method: clinical testing. Allele origin: germline.
Comment: This variant has not been reported in the literature in individuals affected with PRKN-related conditions. This variant is not present in population databases (gnomAD no frequency). This sequence change replaces isoleucine, which is neutral and non-polar, with valine, which is neutral and non-polar, at codon 188 of the PRKN protein (p.Ile188Val). Advanced modeling of protein sequence and biophysical properties (such as structural, functional, and spatial information, amino acid conservation, physicochemical variation, residue mobility, and thermodynamic stability) performed at Invitae indicates that this missense variant is not expected to disrupt PRKN protein function. In summary, the available evidence is currently insufficient to determine the role of this variant in disease. Therefore, it has been classified as a Variant of Uncertain Significance. Algorithms developed to predict the effect of sequence changes on RNA splicing suggest that this variant may create or strengthen a splice site.